The following is an entry in ClinVar:

ClinVar aggregate classification (germline): Uncertain significance (1 of 4 stars; one submission).

Conditions:
Autosomal recessive severe congenital neutropenia due to CSF3R deficiency. Also called: Neutropenia, severe congenital, 7, autosomal recessive. Identifiers: Orphanet 420702, MedGen C4310764, MONDO:0014865, OMIM 617014.

Allele frequency attached by ClinVar (database versions not stated): gnomAD exomes below 0.00001.
gnomAD v4.1: 3 of 1,614,186 alleles (0.00019%); highest among the groups gnomAD compares: Non-Finnish European, 0.00025%; no homozygotes.

Submission:

Labcorp Genetics (formerly Invitae), Labcorp
Classification: Uncertain significance for Neutropenia, severe congenital, 7, autosomal recessive. Last evaluated: 2019-03-06. Review status: criteria provided, single submitter. Criteria: Invitae Variant Classification Sherloc (09022015). Collection method: clinical testing. Allele origin: germline.
Comment: This sequence change replaces isoleucine with threonine at codon 368 of the CSF3R protein (p.Ile368Thr). The isoleucine residue is moderately conserved and there is a moderate physicochemical difference between isoleucine and threonine. This variant is not present in population databases (ExAC no frequency). This variant has not been reported in the literature in individuals with CSF3R-related conditions. Algorithms developed to predict the effect of missense changes on protein structure and function are either unavailable or do not agree on the potential impact of this missense change (SIFT: "Tolerated"; PolyPhen-2: "Possibly Damaging"; Align-GVGD: "Class C0"). In summary, the available evidence is currently insufficient to determine the role of this variant in disease. Therefore, it has been classified as a Variant of Uncertain Significance.

NM_000760.4(CSF3R):c.1103T>C (p.Ile368Thr)

Gene: CSF3R (colony stimulating factor 3 receptor; minus strand). Cytogenetic location: 1p34.3.
Variant type: single nucleotide variant.
Coding change: c.1103T>C on transcript NM_000760.4 (MANE Select); coding-DNA position 1103, T replaced by C.
Protein change: p.Ile368Thr; replaces isoleucine 368 with threonine.
Molecular consequence: missense variant.
Genome position (GRCh38, 1-based): chr1:36,471,615, A>G on the plus strand (T>C on the coding strand, the complement: CSF3R is on the minus strand). VCF-style: chr1-36471615-A-G. GRCh37 (hg19) VCF-style: chr1-36937216-A-G.
Other names: c.1103T>C, p.Ile368Thr (NM_156039.3, NM_172313.3); short protein forms I368T.
Identifiers: ClinVar variation 851731 (VCV000851731.1), dbSNP rs1650741888, ClinGen allele CA339421976.